The following is an entry in ClinVar:

ClinVar aggregate classification (germline): Likely benign. Review status: criteria provided, multiple submitters, no conflicts (2 of 4 stars). 2 submissions from 2 submitters: Likely benign (2). Last evaluated 2025-12-24.

Conditions:
Fanconi anemia complementation group O. Also called: RAD51C-Related Fanconi Anemia. Identifiers: Orphanet 84, MedGen C3150653, MONDO:0013248, OMIM 613390.
Breast-ovarian cancer, familial, susceptibility to, 3. Also called: RAD51C-Related Breast/Ovarian Cancer. Identifiers: Orphanet 145, MedGen C3150659, MONDO:0013253, OMIM 613399.

gnomAD v4.1: 1 of 1,608,054 alleles (0.000062%); highest among the groups gnomAD compares: Non-Finnish European, 0.000085%; no homozygotes.

Submissions (2):

Labcorp Genetics (formerly Invitae), Labcorp
Classification: Likely benign for Fanconi anemia complementation group O. Last evaluated: 2025-12-24. Review status: criteria provided, single submitter. Criteria: Invitae Variant Classification Sherloc (09022015). Collection method: clinical testing. Allele origin: germline.

Myriad Genetics, Inc.
Classification: Likely benign for Breast-ovarian cancer, familial, susceptibility to, 3. Last evaluated: 2025-02-19. Review status: criteria provided, single submitter. Criteria: Myriad Autosomal Dominant, Autosomal Recessive and X-Linked Classification Criteria (2023). Collection method: clinical testing. Allele origin: unknown.
Comment: This variant is considered likely benign. This variant is intronic and is not expected to impact mRNA splicing.

NM_058216.3(RAD51C):c.838-4G>T

Gene: RAD51C (RAD51 paralog C; plus strand). Cytogenetic location: 17q22.
Variant type: single nucleotide variant.
Coding change: c.838-4G>T on transcript NM_058216.3 (MANE Select); 4 bases into the intron before coding-DNA position 838, G replaced by T.
Molecular consequence: intron variant.
Genome position (GRCh38, 1-based): chr17:58,720,742, G>T. VCF-style: chr17-58720742-G-T. GRCh37 (hg19) VCF-style: chr17-56798103-G-T.
Identifiers: ClinVar variation 3704393 (VCV003704393.3).
Genomic context (GRCh38, chr17:58,720,742, plus strand): 5'-AGACTGGTCTACTTGATAATTTTCAAAGAGACTCACCTAATTTTCTTACATTTTGTTTTT[G>T]TAGGTAATTTTAACCAATCAGATGACAACAAAGATTGATAGAAATCAGGCCTTGCTTGTT-3'